The following is an entry in ClinVar:

NM_138711.6(PPARG):c.-8-28064C>T

Gene: PPARG (peroxisome proliferator activated receptor gamma; plus strand). Cytogenetic location: 3p25.2.
Variant type: single nucleotide variant.
Coding change: c.-8-28064C>T on transcript NM_138711.6 (MANE Select); 28064 bases into the intron before 8 bases upstream of the start codon, C replaced by T.
Molecular consequence: intron variant. On other transcripts: synonymous variant (3).
Genome position (GRCh38, 1-based): chr3:12,351,640, C>T. VCF-style: chr3-12351640-C-T. GRCh37 (hg19) VCF-style: chr3-12393139-C-T.
Other names: c.48C>T, p.Ser16= (NM_001354668.2, NM_001374265.1, NM_015869.5); c.-8-28064C>T (NM_001354666.3, NM_138712.5, NM_005037.7 and 5 more transcripts); c.-435-28064C>T (NM_001354669.2); c.-9+6746C>T (NM_001374262.3); c.-2-28064C>T (NM_001374266.1, NM_001354670.2).
Identifiers: ClinVar variation 3351222 (VCV003351222.1).

ClinVar aggregate classification (germline): Likely benign (0 of 4 stars; one submission).

Conditions:
PPARG-related disorder. Also called: PPARG-related disorders; PPARG-related condition.

gnomAD v4.1: 3 of 1,611,806 alleles (0.00019%); highest among the groups gnomAD compares: Admixed American, 0.005%; no homozygotes.

Submission:

PreventionGenetics, part of Exact Sciences
Classification: Likely benign for PPARG-related condition. Last evaluated: 2022-08-02. Review status: no assertion criteria provided. Collection method: clinical testing. Allele origin: germline.
Comment: This variant is classified as likely benign based on ACMG/AMP sequence variant interpretation guidelines (Richards et al. 2015 PMID: 25741868, with internal and published modifications).